The following is an entry in ClinVar:

NM_015192.4(PLCB1):c.3347C>T (p.Ala1116Val)

Gene: PLCB1 (phospholipase C beta 1; plus strand). Cytogenetic location: 20p12.3.
Variant type: single nucleotide variant.
Coding change: c.3347C>T on transcript NM_015192.4 (MANE Select); coding-DNA position 3347, C replaced by T.
Protein change: p.Ala1116Val; replaces alanine 1116 with valine.
Molecular consequence: missense variant.
Genome position (GRCh38, 1-based): chr20:8,790,185, C>T. VCF-style: chr20-8790185-C-T. GRCh37 (hg19) VCF-style: chr20-8770832-C-T.
Other names: p.Ala1116Val; c.3347C>T, p.Ala1116Val (NM_182734.3); short protein forms A1116V.
Identifiers: ClinVar variation 570898 (VCV000570898.11), dbSNP rs148936543, ClinGen allele CA9760538.

ClinVar aggregate classification (germline): Uncertain significance. Review status: criteria provided, multiple submitters, no conflicts (2 of 4 stars). 4 submissions from 4 submitters: Uncertain significance (4). Last evaluated 2024-09-23.

Conditions:
Developmental and epileptic encephalopathy, 12 (DEE12). Identifiers: MedGen C3150988, MONDO:0013389, OMIM 613722.

Allele frequency attached by ClinVar (database versions not stated): 1000 Genomes Project 30x 0.00016; gnomAD 0.00017; TOPMed 0.00020; gnomAD exomes 0.00029; ESP Exome Variant Server 0.00038.
gnomAD v4.1: 445 of 1,608,914 alleles (0.028%); highest among the groups gnomAD compares: South Asian, 0.041%; no homozygotes.

Submissions (4):

Blueprint Genetics
Classification: Uncertain significance. Last evaluated: 2024-09-23. Review status: criteria provided, single submitter. Criteria: ACMG Guidelines, 2015. Collection method: clinical testing. Allele origin: germline.

Labcorp Genetics (formerly Invitae), Labcorp
Classification: Uncertain significance for Developmental and epileptic encephalopathy, 12. Last evaluated: 2024-01-25. Review status: criteria provided, single submitter. Criteria: Invitae Variant Classification Sherloc (09022015). Collection method: clinical testing. Allele origin: germline.
Comment: This sequence change replaces alanine, which is neutral and non-polar, with valine, which is neutral and non-polar, at codon 1116 of the PLCB1 protein (p.Ala1116Val). This variant is present in population databases (rs148936543, gnomAD 0.06%). This variant has not been reported in the literature in individuals affected with PLCB1-related conditions. ClinVar contains an entry for this variant (Variation ID: 570898). Advanced modeling of protein sequence and biophysical properties (such as structural, functional, and spatial information, amino acid conservation, physicochemical variation, residue mobility, and thermodynamic stability) performed at Invitae indicates that this missense variant is not expected to disrupt PLCB1 protein function with a negative predictive value of 80%. In summary, the available evidence is currently insufficient to determine the role of this variant in disease. Therefore, it has been classified as a Variant of Uncertain Significance.

Mayo Clinic Laboratories, Mayo Clinic
Classification: Uncertain significance. Last evaluated: 2023-05-16. Review status: criteria provided, single submitter. Criteria: ACMG Guidelines, 2015. Collection method: clinical testing. Allele origin: germline. Observed: 1 variant allele.
Comment: BP4, PP2

GeneDx
Classification: Uncertain significance. Last evaluated: 2022-03-25. Review status: criteria provided, single submitter. Criteria: GeneDx Variant Classification Process June 2021. Collection method: clinical testing. Allele origin: germline. Affected: yes.
Comment: In silico analysis supports that this missense variant does not alter protein structure/function; Has not been previously published as pathogenic or benign to our knowledge